The following is an entry in ClinVar:

NM_006904.7(PRKDC):c.2648A>G (p.Tyr883Cys)

Gene: PRKDC (protein kinase, DNA-activated, catalytic subunit; minus strand). Cytogenetic location: 8q11.21.
Variant type: single nucleotide variant.
Coding change: c.2648A>G on transcript NM_006904.7 (MANE Select); coding-DNA position 2648, A replaced by G.
Protein change: p.Tyr883Cys; replaces tyrosine 883 with cysteine.
Molecular consequence: missense variant.
Genome position (GRCh38, 1-based): chr8:47,914,034, T>C on the plus strand (A>G on the coding strand, the complement: PRKDC is on the minus strand). VCF-style: chr8-47914034-T-C. GRCh37 (hg19) VCF-style: chr8-48826594-T-C.
Other names: c.2648A>G, p.Tyr883Cys (NM_001081640.2); short protein forms Y883C.
Identifiers: ClinVar variation 1794269 (VCV001794269.4), dbSNP rs778363266, ClinGen allele CA4741405.

ClinVar aggregate classification (germline): Conflicting classifications of pathogenicity. Review status: criteria provided, conflicting classifications (1 of 4 stars). 2 submissions from 2 submitters: Uncertain significance (1); Likely benign (1). Last evaluated 2022-05-21.

Conditions:
Severe combined immunodeficiency due to DNA-PKcs deficiency. Also called: IMMUNODEFICIENCY 26 WITH NEUROLOGIC ABNORMALITIES; Immunodeficiency 26 with or without neurologic abnormalities. Identifiers: Orphanet 317425, MedGen C4014833, MONDO:0014423, OMIM 615966.

Allele frequency attached by ClinVar (database versions not stated): TOPMed 0.00001.
gnomAD v4.1: 13 of 1,574,142 alleles (0.00083%); highest among the groups gnomAD compares: Non-Finnish European, 0.0011%; no homozygotes.

Submissions (2):

Labcorp Genetics (formerly Invitae), Labcorp
Classification: Uncertain significance for Severe combined immunodeficiency due to DNA-PKcs deficiency. Last evaluated: 2022-05-21. Review status: criteria provided, single submitter. Criteria: Invitae Variant Classification Sherloc (09022015). Collection method: clinical testing. Allele origin: germline.
Comment: This sequence change replaces tyrosine, which is neutral and polar, with cysteine, which is neutral and slightly polar, at codon 883 of the PRKDC protein (p.Tyr883Cys). This variant is present in population databases (rs778363266, gnomAD 0.003%). This variant has not been reported in the literature in individuals affected with PRKDC-related conditions. Experimental studies and prediction algorithms are not available or were not evaluated, and the functional significance of this variant is currently unknown. In summary, the available evidence is currently insufficient to determine the role of this variant in disease. Therefore, it has been classified as a Variant of Uncertain Significance.

Ambry Genetics
Classification: Likely benign. Last evaluated: 2022-05-04. Review status: criteria provided, single submitter. Criteria: Ambry Variant Classification Scheme 2023. Collection method: clinical testing. Allele origin: germline.